The following is an entry in ClinVar:

NM_001283009.2(RTEL1):c.3499+5_3499+6delinsTC

Genes: RTEL1 (regulator of telomere elongation helicase 1; plus strand), RTEL1-TNFRSF6B (RTEL1-TNFRSF6B readthrough (NMD candidate); plus strand). Cytogenetic location: 20q13.33.
Variant type: Indel.
Coding change: c.3499+5_3499+6delinsTC on transcript NM_001283009.2 (MANE Select); bases 5 to 6 of the intron after coding-DNA position 3499, GG replaced by TC.
Molecular consequence: intron variant.
Genome position (GRCh38, 1-based): chr20:63,695,226-63,695,227, GG replaced by TC. VCF-style: chr20-63695226-GG-TC. GRCh37 (hg19) VCF-style: chr20-62326579-GG-TC.
Other names: c.2830+5_2830+6delinsTC (NM_001283010.1); c.3571+5_3571+6delinsTC (NM_032957.5); c.3499+5_3499+6delinsTC (NM_016434.4).
Identifiers: ClinVar variation 3760933 (VCV003760933.2).

ClinVar aggregate classification (germline): Uncertain significance (1 of 4 stars; one submission).

Conditions:
Dyskeratosis congenita, autosomal recessive 5 (DKCB5). Identifiers: MedGen C3554656, MONDO:0014076, OMIM 615190.
Pulmonary fibrosis and/or bone marrow failure, Telomere-related, 3. Also called: PULMONARY FIBROSIS AND/OR BONE MARROW FAILURE SYNDROME, TELOMERE-RELATED, 3. Identifiers: Orphanet 2032, MedGen C4225346, MONDO:0014613, OMIM 616373.

Submission:

Labcorp Genetics (formerly Invitae), Labcorp
Classification: Uncertain significance for Dyskeratosis congenita, autosomal recessive 5; Pulmonary fibrosis and/or bone marrow failure, Telomere-related, 3. Last evaluated: 2024-02-17. Review status: criteria provided, single submitter. Criteria: Invitae Variant Classification Sherloc (09022015). Collection method: clinical testing. Allele origin: germline.
Comment: This sequence change falls in intron 33 of the RTEL1 gene. It does not directly change the encoded amino acid sequence of the RTEL1 protein. It affects a nucleotide within the consensus splice site. Information on the frequency of this variant in the gnomAD database is not available, as this variant may be reported differently in the database. This variant has not been reported in the literature in individuals affected with RTEL1-related conditions. Variants that disrupt the consensus splice site are a relatively common cause of aberrant splicing (PMID: 17576681, 9536098). Experimental studies and prediction algorithms are not available or were not evaluated, and the effect of this variant on mRNA splicing is currently unknown. In summary, the available evidence is currently insufficient to determine the role of this variant in disease. Therefore, it has been classified as a Variant of Uncertain Significance.

Literature cited by the submitters: PubMed 17576681; PubMed 9536098.